The following is an entry in ClinVar:

NM_017837.4(PIGV):c.1436G>A (p.Trp479Ter)

Gene: PIGV (phosphatidylinositol glycan anchor biosynthesis class V; plus strand). Cytogenetic location: 1p36.11.
Variant type: single nucleotide variant.
Coding change: c.1436G>A on transcript NM_017837.4 (MANE Select); coding-DNA position 1436, G replaced by A.
Protein change: p.Trp479Ter; replaces tryptophan 479 with a stop codon.
Molecular consequence: nonsense. On other transcripts: non-coding transcript variant (2).
Genome position (GRCh38, 1-based): chr1:26,797,798, G>A. VCF-style: chr1-26797798-G-A. GRCh37 (hg19) VCF-style: chr1-27124289-G-A.
Other names: c.1436G>A, p.Trp479Ter (NM_001202554.2, NM_001374478.1, NM_001374480.1 and 2 more transcripts); c.1055G>A, p.Trp352Ter (NM_001374483.1); c.809G>A, p.Trp270Ter (NM_001374484.1, NM_001374485.1); c.314G>A, p.Trp105Ter (NM_001374486.1); short protein forms W105*, W479*, W270*, W352*.
Identifiers: ClinVar variation 1493134 (VCV001493134.6), dbSNP rs2124208803, ClinGen allele CA339204655.

ClinVar aggregate classification (germline): Uncertain significance (1 of 4 stars; one submission).

Submission:

Labcorp Genetics (formerly Invitae), Labcorp
Classification: Uncertain significance. Last evaluated: 2021-04-11. Review status: criteria provided, single submitter. Criteria: Invitae Variant Classification Sherloc (09022015). Collection method: clinical testing. Allele origin: germline.
Comment: In summary, the available evidence is currently insufficient to determine the role of this variant in disease. Therefore, it has been classified as a Variant of Uncertain Significance. Algorithms developed to predict the effect of sequence changes on RNA splicing suggest that this variant may create or strengthen a splice site, but this prediction has not been confirmed by published transcriptional studies. This variant has not been reported in the literature in individuals with PIGV-related conditions. This variant is not present in population databases (ExAC no frequency). This sequence change creates a premature translational stop signal (p.Trp479*) in the PIGV gene. While this is not anticipated to result in nonsense mediated decay, it is expected to disrupt the last 15 amino acid(s) of the PIGV protein.